The following is an entry in ClinVar:

ClinVar aggregate classification (germline): Uncertain significance. Review status: criteria provided, multiple submitters, no conflicts (2 of 4 stars). 2 submissions from 2 submitters: Uncertain significance (2). Last evaluated 2022-08-16.

Conditions:
Inborn genetic diseases. Identifiers: MedGen C0950123, MeSH D030342.

Allele frequency attached by ClinVar (database versions not stated): ExAC 0.00001; gnomAD exomes 0.00002; gnomAD 0.00003 and 0.00004; TOPMed 0.00003.
gnomAD v4.1: 14 of 1,613,962 alleles (0.00087%); highest among the groups gnomAD compares: African/African-American, 0.0067%; no homozygotes.

Submissions (2):

Labcorp Genetics (formerly Invitae), Labcorp
Classification: Uncertain significance. Last evaluated: 2022-08-16. Review status: criteria provided, single submitter. Criteria: Invitae Variant Classification Sherloc (09022015). Collection method: clinical testing. Allele origin: germline.
Comment: This sequence change replaces glycine, which is neutral and non-polar, with glutamic acid, which is acidic and polar, at codon 848 of the CNGB1 protein (p.Gly848Glu). This variant is present in population databases (rs758072259, gnomAD 0.01%). This variant has not been reported in the literature in individuals affected with CNGB1-related conditions. ClinVar contains an entry for this variant (Variation ID: 1017148). Algorithms developed to predict the effect of missense changes on protein structure and function are either unavailable or do not agree on the potential impact of this missense change (SIFT: "Deleterious"; PolyPhen-2: "Possibly Damaging"; Align-GVGD: "Class C0"). In summary, the available evidence is currently insufficient to determine the role of this variant in disease. Therefore, it has been classified as a Variant of Uncertain Significance.

Ambry Genetics
Classification: Uncertain significance for Inborn genetic diseases. Last evaluated: 2021-08-02. Review status: criteria provided, single submitter. Criteria: Ambry Variant Classification Scheme 2023. Collection method: clinical testing. Allele origin: germline.

NM_001297.5(CNGB1):c.2543G>A (p.Gly848Glu)

Gene: CNGB1 (cyclic nucleotide gated channel subunit beta 1; minus strand). Cytogenetic location: 16q21.
Variant type: single nucleotide variant.
Coding change: c.2543G>A on transcript NM_001297.5 (MANE Select); coding-DNA position 2543, G replaced by A.
Protein change: p.Gly848Glu; replaces glycine 848 with glutamic acid.
Molecular consequence: missense variant.
Genome position (GRCh38, 1-based): chr16:57,904,825, C>T on the plus strand (G>A on the coding strand, the complement: CNGB1 is on the minus strand). VCF-style: chr16-57904825-C-T. GRCh37 (hg19) VCF-style: chr16-57938729-C-T.
Other names: c.2525G>A, p.Gly842Glu (NM_001286130.2); c.2543G>A (NM_001297.4); short protein forms G842E, G848E.
Identifiers: ClinVar variation 1017148 (VCV001017148.9), dbSNP rs758072259, ClinGen allele CA8082935.